The following is an entry in ClinVar:

NM_001371333.1(DIABLO):c.26C>T (p.Ser9Leu)

Genes: DIABLO (diablo IAP-binding mitochondrial protein; minus strand), LOC130009040 (ATAC-STARR-seq lymphoblastoid active region 7211; plus strand). Cytogenetic location: 12q24.31.
Variant type: single nucleotide variant.
Coding change: c.26C>T on transcript NM_001371333.1 (MANE Select); coding-DNA position 26, C replaced by T.
Protein change: p.Ser9Leu; replaces serine 9 with leucine.
Molecular consequence: missense variant. On other transcripts: 5 prime UTR variant (3).
Genome position (GRCh38, 1-based): chr12:122,225,989, G>A on the plus strand (C>T on the coding strand, the complement: DIABLO is on the minus strand). VCF-style: chr12-122225989-G-A. GRCh37 (hg19) VCF-style: chr12-122710536-G-A.
Other names: c.26C>T (NM_019887.4); c.-105C>T (NM_001278302.1, NM_138930.3); c.-61C>T (NM_001278303.1); c.26C>T, p.Ser9Leu (NM_001278342.1, NM_019887.6); short protein forms S9L.
Identifiers: ClinVar variation 3715665 (VCV003715665.3).

ClinVar aggregate classification (germline): Uncertain significance. Review status: criteria provided, multiple submitters, no conflicts (2 of 4 stars). 2 submissions from 2 submitters: Uncertain significance (2). Last evaluated 2025-06-06.

gnomAD v4.1: 14 of 1,602,792 alleles (0.00087%); highest among the groups gnomAD compares: African/African-American, 0.004%; no homozygotes.

Submissions (2):

Ambry Genetics
Classification: Uncertain significance. Last evaluated: 2025-06-06. Review status: criteria provided, single submitter. Criteria: Ambry Variant Classification Scheme 2023. Collection method: clinical testing. Allele origin: germline.

Labcorp Genetics (formerly Invitae), Labcorp
Classification: Uncertain significance. Last evaluated: 2024-09-15. Review status: criteria provided, single submitter. Criteria: Invitae Variant Classification Sherloc (09022015). Collection method: clinical testing. Allele origin: germline.
Comment: This sequence change replaces serine, which is neutral and polar, with leucine, which is neutral and non-polar, at codon 9 of the DIABLO protein (p.Ser9Leu). The frequency data for this variant in the population databases is considered unreliable, as metrics indicate poor data quality at this position in the gnomAD database. This variant has not been reported in the literature in individuals affected with DIABLO-related conditions. An algorithm developed to predict the effect of missense changes on protein structure and function outputs the following: PolyPhen-2: "Benign". The leucine amino acid residue is found in multiple mammalian species, which suggests that this missense change does not adversely affect protein function. In summary, the available evidence is currently insufficient to determine the role of this variant in disease. Therefore, it has been classified as a Variant of Uncertain Significance.